The following is an entry in ClinVar:

NM_000052.7(ATP7A):c.905T>C (p.Leu302Pro)

Gene: ATP7A (ATPase copper transporting alpha; plus strand). Cytogenetic location: Xq21.1.
Variant type: single nucleotide variant.
Coding change: c.905T>C on transcript NM_000052.7 (MANE Select); coding-DNA position 905, T replaced by C.
Protein change: p.Leu302Pro; replaces leucine 302 with proline.
Molecular consequence: missense variant.
Genome position (GRCh38, 1-based): chrX:77,989,527, T>C. VCF-style: chrX-77989527-T-C. GRCh37 (hg19) VCF-style: chrX-77245023-T-C.
Other names: c.905T>C, p.Leu302Pro (NM_001282224.2); short protein forms L302P.
Identifiers: ClinVar variation 3753800 (VCV003753800.2).

ClinVar aggregate classification (germline): Uncertain significance (1 of 4 stars; one submission).

Conditions:
Menkes kinky-hair syndrome (MNK). Also called: Copper transport disease; Menkes Disease; Classic Menkes Disease. Identifiers: Orphanet 565, MedGen C0022716, MONDO:0010651, OMIM 309400.
X-linked distal spinal muscular atrophy type 3. Also called: ATP7A-Related Distal Motor Neuropathy; SPINAL MUSCULAR ATROPHY, DISTAL, X-LINKED RECESSIVE; NEURONOPATHY, DISTAL HEREDITARY MOTOR, X-LINKED; NEUROPATHY, DISTAL HEREDITARY MOTOR, X-LINKED. Identifiers: Orphanet 139557, MedGen C1845359, MONDO:0010338, OMIM 300489.
Cutis laxa, X-linked (OHS). Also called: EDS IX; Occipital horn syndrome. Identifiers: Orphanet 198, MedGen C0268353, MONDO:0010572, OMIM 304150.

Submission:

Labcorp Genetics (formerly Invitae), Labcorp
Classification: Uncertain significance for X-linked distal spinal muscular atrophy type 3; Cutis laxa, X-linked; Menkes kinky-hair syndrome. Last evaluated: 2024-12-31. Review status: criteria provided, single submitter. Criteria: Invitae Variant Classification Sherloc (09022015). Collection method: clinical testing. Allele origin: germline.
Comment: This sequence change replaces leucine, which is neutral and non-polar, with proline, which is neutral and non-polar, at codon 302 of the ATP7A protein (p.Leu302Pro). This variant is not present in population databases (gnomAD no frequency). This variant has not been reported in the literature in individuals affected with ATP7A-related conditions. Invitae Evidence Modeling of protein sequence and biophysical properties (such as structural, functional, and spatial information, amino acid conservation, physicochemical variation, residue mobility, and thermodynamic stability) indicates that this missense variant is not expected to disrupt ATP7A protein function with a negative predictive value of 95%. In summary, the available evidence is currently insufficient to determine the role of this variant in disease. Therefore, it has been classified as a Variant of Uncertain Significance.